The following is an entry in ClinVar:

ClinVar aggregate classification (germline): Uncertain significance (1 of 4 stars; one submission).

Submission:

Dasa
Classification: Uncertain significance. Last evaluated: 2024-12-23. Review status: criteria provided, single submitter. Criteria: DASA Assertion Criteria. Collection method: clinical testing. Allele origin: germline.
Comment: NM_001134673.4(NFIA):c.1366A>T (p.Thr456Ser) is a missense variant that results in the substitution of threonine with serine. This variant is absent from population databases. Computational prediction algorithms are consistent with a benign effect. The currently available literature and clinical evidence are not sufficient to establish a definitive association between this variant and the reported condition. Therefore, this variant is classified as a variant of uncertain significance.

NM_001134673.4(NFIA):c.1366A>T (p.Thr456Ser)

Gene: NFIA (nuclear factor I A; plus strand). Cytogenetic location: 1p31.3.
Variant type: single nucleotide variant.
Coding change: c.1366A>T on transcript NM_001134673.4 (MANE Select); coding-DNA position 1366, A replaced by T.
Protein change: p.Thr456Ser; replaces threonine 456 with serine.
Molecular consequence: missense variant.
Genome position (GRCh38, 1-based): chr1:61,406,673, A>T. VCF-style: chr1-61406673-A-T. GRCh37 (hg19) VCF-style: chr1-61872345-A-T.
Other names: c.1342A>T, p.Thr448Ser (NM_001145511.2); c.1501A>T, p.Thr501Ser (NM_001145512.2); c.1366A>T, p.Thr456Ser (NM_005595.5); short protein forms T448S, T456S, T501S.
Identifiers: ClinVar variation 4881733 (VCV004881733.2).